The following is an entry in ClinVar:

NM_020778.5(ALPK3):c.4313C>A (p.Ser1438Ter)

Gene: ALPK3 (alpha kinase 3; plus strand). Cytogenetic location: 15q25.3.
Variant type: single nucleotide variant.
Coding change: c.4313C>A on transcript NM_020778.5 (MANE Select); coding-DNA position 4313, C replaced by A.
Protein change: p.Ser1438Ter; replaces serine 1438 with a stop codon.
Molecular consequence: nonsense.
Genome position (GRCh38, 1-based): chr15:84,862,818, C>A. VCF-style: chr15-84862818-C-A. GRCh37 (hg19) VCF-style: chr15-85406049-C-A.
Other names: NC_000015.9:g.85406049C>A; short protein forms S1438*.
Identifiers: ClinVar variation 2584522 (VCV002584522.3), dbSNP rs775335205, ClinGen allele CA393363166.
Genomic context (GRCh38, chr15:84,862,818, plus strand): 5'-GTGGCCTTCGGAAGGCCTCCCAGGCCAAGGTCATCTACGGGCTGGAACCCATCTTCGAGT[C>A]GGGCCGCACGTGCATCATCAAGGTGTCCAGCCTGCTTGTGTTTGGGCCCAGCAGTGAGAC-3'

ClinVar aggregate classification (germline): Pathogenic. Review status: criteria provided, multiple submitters, no conflicts (2 of 4 stars). 2 submissions from 2 submitters: Pathogenic (2). Last evaluated 2025-04-20.

Conditions:
ALPK3-related disorder. Also called: ALPK3-related condition.

Submissions (3):

Labcorp Genetics (formerly Invitae), Labcorp
Classification: Pathogenic. Last evaluated: 2025-04-20. Review status: criteria provided, single submitter. Criteria: Invitae Variant Classification Sherloc (09022015). Collection method: clinical testing. Allele origin: germline.
Comment: This sequence change creates a premature translational stop signal (p.Ser1640*) in the ALPK3 gene. It is expected to result in an absent or disrupted protein product. Loss-of-function variants in ALPK3 are known to be pathogenic (PMID: 21441111, 26846950, 27106955, 34263907). This variant is not present in population databases (gnomAD no frequency). This variant has not been reported in the literature in individuals affected with ALPK3-related conditions. ClinVar contains an entry for this variant (Variation ID: 2584522). For these reasons, this variant has been classified as Pathogenic.

Rady Children's Institute for Genomic Medicine, Rady Children's Hospital San Diego
Classification: Pathogenic for ALPK3-related disorder. Review status: criteria provided, single submitter. Criteria: ACMG Guidelines, 2015. Collection method: clinical testing. Allele origin: germline. Affected: yes.
Comment: This nonsense variant is located within a region of homozygosity on chromosome 15. The variant is found in exon 10 of 14 is predicted to result in loss of normal protein function through either protein truncation or nonsense-mediated mRNA decay (NMD). This variant has not been previously reported or functionally characterized in the literature to our knowledge. However, other loss of function variants downstream of this variant have been reported in affected individuals in the ClinVar database and the Human Gene Mutation Database (HGMD). It is absent from the gnomAD population database and thus is presumed to be rare. Based on the available evidence, the c.4919C>A (p.Ser1640Ter) variant is classified as Pathogenic.

Dr. Peter K. Rogan Lab, Western University
No classification provided (evidence only). Condition: Ovarian serous cystadenocarcinoma. Review status: no classification provided. Collection method: in vitro. Allele origin: not applicable. Functional consequence: retained intron. Not counted in ClinVar's aggregate classification.

Literature cited by the submitters: PubMed 21441111 (cited by Labcorp Genetics (formerly Invitae), Labcorp); PubMed 26846950 (cited by Labcorp Genetics (formerly Invitae), Labcorp); PubMed 27106955 (cited by Labcorp Genetics (formerly Invitae), Labcorp); PubMed 34263907 (cited by Labcorp Genetics (formerly Invitae), Labcorp).